The following is an entry in ClinVar:

NM_003640.5(ELP1):c.3209A>G (p.Glu1070Gly)

Gene: ELP1 (elongator acetyltransferase complex subunit 1; minus strand). Cytogenetic location: 9q31.3.
Variant type: single nucleotide variant.
Coding change: c.3209A>G on transcript NM_003640.5 (MANE Select); coding-DNA position 3209, A replaced by G.
Protein change: p.Glu1070Gly; replaces glutamic acid 1070 with glycine.
Molecular consequence: missense variant.
Genome position (GRCh38, 1-based): chr9:108,889,345, T>C on the plus strand (A>G on the coding strand, the complement: ELP1 is on the minus strand). VCF-style: chr9-108889345-T-C. GRCh37 (hg19) VCF-style: chr9-111651625-T-C.
Other names: c.2867A>G, p.Glu956Gly (NM_001318360.2); c.2162A>G, p.Glu721Gly (NM_001330749.2); short protein forms E1070G, E721G, E956G.
Identifiers: ClinVar variation 1697135 (VCV001697135.2), dbSNP rs376878918, ClinGen allele CA5174390.
Genomic context (GRCh38, chr9:108,889,345, plus strand): 5'-ACCTTTCTTGCTGACTGGGGGGTTTAGAAGGGAGGAATTGAGTTTACCTGGGCACACTCT[T>C]CCAAAACCATGGCCGCATCAATGTGCTTCCTCTGCTCAACCAGCTTTCCTGTAGAGACAA-3'
Protein context (NP_003631.2, residues 1060-1080): RKHIDAAMVL[Glu1070Gly]ECAQDYEEAV

ClinVar aggregate classification (germline): Uncertain significance (1 of 4 stars; one submission).

Allele frequency attached by ClinVar (database versions not stated): gnomAD exomes below 0.00001; TOPMed below 0.00001; ExAC 0.00001; ESP Exome Variant Server 0.00008.
gnomAD v4.1: 3 of 1,614,096 alleles (0.00019%); highest among the groups gnomAD compares: Non-Finnish European, 0.00017%; no homozygotes.

Submission:

GeneDx
Classification: Uncertain significance. Last evaluated: 2022-01-18. Review status: criteria provided, single submitter. Criteria: GeneDx Variant Classification Process June 2021. Collection method: clinical testing. Allele origin: germline. Affected: yes.
Comment: Not observed at significant frequency in large population cohorts (gnomAD); In silico analysis supports that this missense variant has a deleterious effect on protein structure/function; Has not been previously published as pathogenic or benign to our knowledge